The following is an entry in ClinVar:

NM_178822.5(IGSF10):c.3869C>T (p.Pro1290Leu)

Gene: IGSF10 (immunoglobulin superfamily member 10; minus strand). Cytogenetic location: 3q25.1.
Variant type: single nucleotide variant.
Coding change: c.3869C>T on transcript NM_178822.5 (MANE Select); coding-DNA position 3869, C replaced by T.
Protein change: p.Pro1290Leu; replaces proline 1290 with leucine.
Molecular consequence: missense variant.
Genome position (GRCh38, 1-based): chr3:151,446,112, G>A on the plus strand (C>T on the coding strand, the complement: IGSF10 is on the minus strand). VCF-style: chr3-151446112-G-A. GRCh37 (hg19) VCF-style: chr3-151163900-G-A.
Other names: c.3869C>T, p.Pro1290Leu (NM_001385060.1, NM_001385061.1, NM_001385062.1 and 1 more transcripts); short protein forms P1290L.
Identifiers: ClinVar variation 4811260 (VCV004811260.1).

ClinVar aggregate classification (germline): Uncertain significance (1 of 4 stars; one submission).

gnomAD v4.1: 1 of 1,614,128 alleles (0.000062%); highest among the groups gnomAD compares: Non-Finnish European, 0.000085%; no homozygotes.

Submission:

Labcorp Genetics (formerly Invitae), Labcorp
Classification: Uncertain significance. Last evaluated: 2025-07-20. Review status: criteria provided, single submitter. Criteria: Invitae Variant Classification Sherloc (09022015). Collection method: clinical testing. Allele origin: germline.
Comment: This sequence change replaces proline, which is neutral and non-polar, with leucine, which is neutral and non-polar, at codon 1290 of the IGSF10 protein (p.Pro1290Leu). This variant is not present in population databases (gnomAD no frequency). This variant has not been reported in the literature in individuals affected with IGSF10-related conditions. An algorithm developed to predict the effect of missense changes on protein structure and function (PolyPhen-2) suggests that this variant is likely to be tolerated. In summary, the available evidence is currently insufficient to determine the role of this variant in disease. Therefore, it has been classified as a Variant of Uncertain Significance.